The following is an entry in ClinVar:

NM_001105206.3(LAMA4):c.3964A>G (p.Thr1322Ala)

Gene: LAMA4 (laminin subunit alpha 4; minus strand). Cytogenetic location: 6q21.
Variant type: single nucleotide variant.
Coding change: c.3964A>G on transcript NM_001105206.3 (MANE Select); coding-DNA position 3964, A replaced by G.
Protein change: p.Thr1322Ala; replaces threonine 1322 with alanine.
Molecular consequence: missense variant.
Genome position (GRCh38, 1-based): chr6:112,130,972, T>C on the plus strand (A>G on the coding strand, the complement: LAMA4 is on the minus strand). VCF-style: chr6-112130972-T-C. GRCh37 (hg19) VCF-style: chr6-112452174-T-C.
Other names: c.3943A>G (NM_002290.3); c.3943A>G, p.Thr1315Ala (NM_001105207.3, NM_002290.5); short protein forms T1315A, T1322A.
Identifiers: ClinVar variation 1515602 (VCV001515602.7), dbSNP rs1240965450, ClinGen allele CA365373938.

ClinVar aggregate classification (germline): Conflicting classifications of pathogenicity. Review status: criteria provided, conflicting classifications (1 of 4 stars). 2 submissions from 2 submitters: Uncertain significance (1); Likely benign (1). Last evaluated 2024-10-23.

Conditions:
Cardiovascular phenotype. Identifiers: MedGen CN230736.
Dilated cardiomyopathy 1JJ (CMD1JJ). Identifiers: Orphanet 154, MedGen C3808935, MONDO:0014095, OMIM 615235.

Allele frequency attached by ClinVar (database versions not stated): gnomAD 0.00001; gnomAD exomes 0.00002; TOPMed 0.00002.
gnomAD v4.1: 27 of 1,612,958 alleles (0.0017%); highest among the groups gnomAD compares: Non-Finnish European, 0.0022%; no homozygotes.

Submissions (2):

Labcorp Genetics (formerly Invitae), Labcorp
Classification: Uncertain significance for Dilated cardiomyopathy 1JJ. Last evaluated: 2024-10-23. Review status: criteria provided, single submitter. Criteria: Invitae Variant Classification Sherloc (09022015). Collection method: clinical testing. Allele origin: germline.
Comment: This sequence change replaces threonine, which is neutral and polar, with alanine, which is neutral and non-polar, at codon 1315 of the LAMA4 protein (p.Thr1315Ala). This variant is not present in population databases (gnomAD no frequency). This variant has not been reported in the literature in individuals affected with LAMA4-related conditions. ClinVar contains an entry for this variant (Variation ID: 1515602). Invitae Evidence Modeling of protein sequence and biophysical properties (such as structural, functional, and spatial information, amino acid conservation, physicochemical variation, residue mobility, and thermodynamic stability) indicates that this missense variant is expected to disrupt LAMA4 protein function with a positive predictive value of 80%. In summary, the available evidence is currently insufficient to determine the role of this variant in disease. Therefore, it has been classified as a Variant of Uncertain Significance.

Ambry Genetics
Classification: Likely benign for Cardiovascular phenotype. Last evaluated: 2023-03-07. Review status: criteria provided, single submitter. Criteria: Ambry Variant Classification Scheme 2023. Collection method: clinical testing. Allele origin: germline.